The following is an entry in ClinVar:

ClinVar aggregate classification (germline): Conflicting classifications of pathogenicity. Review status: criteria provided, conflicting classifications (1 of 4 stars). 2 submissions from 2 submitters: Uncertain significance (1); Likely benign (1). Last evaluated 2025-06-12.

Conditions:
Cystinuria (CSNU). Also called: CYSTINURIA, TYPE I; CYSTINURIA, TYPE II; CYSTINURIA, TYPE III; Cystinuria, non-type I. Identifiers: Orphanet 214, MedGen C0010691, MONDO:0009067, OMIM 220100, HP:0003131.

gnomAD v4.1: 72 of 1,614,162 alleles (0.0045%); highest among the groups gnomAD compares: African/African-American, 0.075%; no homozygotes.

Submissions (2):

Labcorp Genetics (formerly Invitae), Labcorp
Classification: Uncertain significance. Last evaluated: 2025-06-12. Review status: criteria provided, single submitter. Criteria: Invitae Variant Classification Sherloc (09022015). Collection method: clinical testing. Allele origin: germline.
Comment: This sequence change replaces alanine, which is neutral and non-polar, with valine, which is neutral and non-polar, at codon 265 of the SLC7A9 protein (p.Ala265Val). This variant is present in population databases (rs372528072, gnomAD 0.07%). This variant has not been reported in the literature in individuals affected with SLC7A9-related conditions. ClinVar contains an entry for this variant (Variation ID: 3583596). Invitae Evidence Modeling of protein sequence and biophysical properties (such as structural, functional, and spatial information, amino acid conservation, physicochemical variation, residue mobility, and thermodynamic stability) indicates that this missense variant is not expected to disrupt SLC7A9 protein function with a negative predictive value of 80%. In summary, the available evidence is currently insufficient to determine the role of this variant in disease. Therefore, it has been classified as a Variant of Uncertain Significance.

Fulgent Genetics
Classification: Likely benign for Cystinuria. Last evaluated: 2024-02-23. Review status: criteria provided, single submitter. Criteria: ACMG Guidelines, 2015. Collection method: clinical testing. Allele origin: germline.

NM_014270.5(SLC7A9):c.794C>T (p.Ala265Val)

Gene: SLC7A9 (solute carrier family 7 member 9; minus strand). Cytogenetic location: 19q13.11.
Variant type: single nucleotide variant.
Coding change: c.794C>T on transcript NM_014270.5 (MANE Select); coding-DNA position 794, C replaced by T.
Protein change: p.Ala265Val; replaces alanine 265 with valine.
Molecular consequence: missense variant.
Genome position (GRCh38, 1-based): chr19:32,859,920, G>A on the plus strand (C>T on the coding strand, the complement: SLC7A9 is on the minus strand). VCF-style: chr19-32859920-G-A. GRCh37 (hg19) VCF-style: chr19-33350826-G-A.
Other names: c.794C>T, p.Ala265Val (NM_001126335.2, NM_001243036.2); short protein forms A265V.
Identifiers: ClinVar variation 3583596 (VCV003583596.3).